The following is an entry in ClinVar:

NM_001999.4(FBN2):c.5665G>T (p.Ala1889Ser)

Gene: FBN2 (fibrillin 2; minus strand). Cytogenetic location: 5q23.3.
Variant type: single nucleotide variant.
Coding change: c.5665G>T on transcript NM_001999.4 (MANE Select); coding-DNA position 5665, G replaced by T.
Protein change: p.Ala1889Ser; replaces alanine 1889 with serine.
Molecular consequence: missense variant.
Genome position (GRCh38, 1-based): chr5:128,305,520, C>A on the plus strand (G>T on the coding strand, the complement: FBN2 is on the minus strand). VCF-style: chr5-128305520-C-A. GRCh37 (hg19) VCF-style: chr5-127641212-C-A.
Other names: short protein forms A1889S.
Identifiers: ClinVar variation 3907932 (VCV003907932.1).

ClinVar aggregate classification (germline): Uncertain significance (1 of 4 stars; one submission).

gnomAD v4.1: 2 of 1,614,036 alleles (0.00012%); highest among the groups gnomAD compares: East Asian, 0.0045%; no homozygotes.

Submission:

GeneDx
Classification: Uncertain significance. Last evaluated: 2024-12-26. Review status: criteria provided, single submitter. Criteria: GeneDx Variant Classification Process June 2021. Collection method: clinical testing. Allele origin: germline. Affected: yes.
Comment: Has not been previously published as pathogenic or benign to our knowledge; Not observed at significant frequency in large population cohorts (gnomAD); In silico analysis indicates that this missense variant does not alter protein structure/function; Although located in a calcium-binding EGF-like domain of the FBN2 gene, it does not substitute or introduce a cysteine residue (PMID: 19006240, 18767143); This variant is associated with the following publications: (PMID: 19006240, 18767143)